The following is an entry in ClinVar:

NM_000521.4(HEXB):c.761T>C (p.Leu254Ser)

Gene: HEXB (hexosaminidase subunit beta; plus strand). Cytogenetic location: 5q13.3.
Variant type: single nucleotide variant.
Coding change: c.761T>C on transcript NM_000521.4 (MANE Select); coding-DNA position 761, T replaced by C.
Protein change: p.Leu254Ser; replaces leucine 254 with serine.
Molecular consequence: missense variant.
Genome position (GRCh38, 1-based): chr5:74,705,310, T>C. VCF-style: chr5-74705310-T-C. GRCh37 (hg19) VCF-style: chr5-74001135-T-C.
Other names: c.86T>C, p.Leu29Ser (NM_001292004.2); c.761T>C (NM_000521.3); short protein forms L254S, L29S.
Identifiers: ClinVar variation 800653 (VCV000800653.13), dbSNP rs771103635, ClinGen allele CA3305926.

ClinVar aggregate classification (germline): Pathogenic/Likely pathogenic. Review status: criteria provided, multiple submitters, no conflicts (2 of 4 stars). 5 submissions from 5 submitters: Pathogenic (1); Likely pathogenic (3). 1 of the submissions does not count toward it. Last evaluated 2025-10-16.

Conditions:
Sandhoff disease. Also called: GM2-GANGLIOSIDOSIS, TYPE II; HEXOSAMINIDASES A AND B DEFICIENCY; Beta-hexosaminidase-beta-subunit deficiency; GM2 gangliosidosis, type 2; Total hexosaminidase deficiency; Sandhoff-Jatzkewitz-Pilz disease. Identifiers: Orphanet 796, MedGen C0036161, MONDO:0010006, OMIM 268800.

Allele frequency attached by ClinVar (database versions not stated): TOPMed below 0.00001; ExAC 0.00001.

Submissions (5):

Women's Health and Genetics/Laboratory Corporation of America, LabCorp
Classification: Likely pathogenic for Sandhoff disease. Last evaluated: 2025-10-16. Review status: criteria provided, single submitter. Criteria: LabCorp Variant Classification Summary - May 2015. Collection method: clinical testing. Allele origin: germline.
Comment: Variant summary: HEXB c.761T>C (p.Leu254Ser) results in a non-conservative amino acid change in the encoded protein sequence. Algorithms developed to predict the effect of missense changes on protein structure and function all suggest that this variant is likely to be disruptive. The variant was absent in 251310 control chromosomes. The available data on variant occurrences in the general population are insufficient to allow any conclusion about variant significance. c.761T>C has been observed in the compound heterozygous state in at least 1 individual(s) affected with Sandhoff Disease (example, Tim-Aroon_2021). These data do not allow any conclusion about variant significance. At least one publication reports experimental evidence evaluating an impact on protein function. The most pronounced variant effect results in <10% of normal activity in patient cells when in trans with a known missense with null activity (Tim-Aroon_2021). ClinVar contains an entry for this variant (Variation ID: 800653). Based on the evidence outlined above, the variant was classified as likely pathogenic.

Natera, Inc.
Classification: Likely pathogenic for Sandhoff disease. Last evaluated: 2025-09-23. Review status: criteria provided, single submitter. Criteria: Natera Variant Classification Schema (03/2026). Collection method: clinical testing. Allele origin: germline.
Comment: The c.761T>C variant in HEXB is a missense variant predicted to cause substitution of leucine to serine at amino acid 254. This variant is rare in the general population with a frequency below the threshold expected for the associated phenotype(s). This variant has been observed in one or more individuals affected with the associated recessive disease, as either homozygous or compound heterozygous with a second variant (PMID: 33407268). This variant has been identified in one or more affected individual with a phenotype highly consistent with the associated gene (PMID: 33407268). Computational prediction algorithms indicate this variant is likely to affect gene or protein function. Given the available evidence, this variant is classified as Likely Pathogenic.

Fulgent Genetics
Classification: Likely pathogenic for Sandhoff disease. Last evaluated: 2024-03-09. Review status: criteria provided, single submitter. Criteria: ACMG Guidelines, 2015. Collection method: clinical testing. Allele origin: germline.

Labcorp Genetics (formerly Invitae), Labcorp
Classification: Pathogenic for Sandhoff disease. Last evaluated: 2021-11-04. Review status: criteria provided, single submitter. Criteria: Invitae Variant Classification Sherloc (09022015). Collection method: clinical testing. Allele origin: germline.
Comment: For these reasons, this variant has been classified as Pathogenic. Advanced modeling of protein sequence and biophysical properties (such as structural, functional, and spatial information, amino acid conservation, physicochemical variation, residue mobility, and thermodynamic stability) performed at Invitae indicates that this missense variant is expected to disrupt HEXB protein function. ClinVar contains an entry for this variant (Variation ID: 800653). This missense change has been observed in individual(s) with Sandhoff disease (PMID: 33407268). In at least one individual the data is consistent with the variant being in trans (on the opposite chromosome) from a pathogenic variant. This variant is not present in population databases (gnomAD no frequency). This sequence change replaces leucine, which is neutral and non-polar, with serine, which is neutral and polar, at codon 254 of the HEXB protein (p.Leu254Ser).

Department of Pediatrics, Division of Medical Genetics, Faculty of Medicine Ramathibodi Hospital, Mahidol University
Classification: Likely pathogenic for Sandhoff disease. Last evaluated: 2019-11-26. Review status: no assertion criteria provided. Collection method: research. Allele origin: germline. Inheritance: Autosomal recessive inheritance. Affected: yes. Observed: 1 compound heterozygote. Not counted in ClinVar's aggregate classification.

Literature cited by the submitters: PubMed 33407268 (cited by 3 submitters).